The following is an entry in ClinVar:

NM_001037333.3(CYFIP2):c.81A>G (p.Pro27=)

Gene: CYFIP2 (cytoplasmic FMR1 interacting protein 2; plus strand). Cytogenetic location: 5q33.3.
Variant type: single nucleotide variant.
Coding change: c.81A>G on transcript NM_001037333.3 (MANE Select); coding-DNA position 81, A replaced by G.
Protein change: p.Pro27=; no amino-acid change (proline 27 retained).
Molecular consequence: synonymous variant.
Genome position (GRCh38, 1-based): chr5:157,285,442, A>G. VCF-style: chr5-157285442-A-G. GRCh37 (hg19) VCF-style: chr5-156712452-A-G.
Other names: c.81A>G, p.Pro27= (NM_001291721.2, NM_001291722.2, NM_014376.4); c.81A>G (NM_001291722.1).
Identifiers: ClinVar variation 1599679 (VCV001599679.12), dbSNP rs367998009, ClinGen allele CA3533258.
Genomic context (GRCh38, chr5:157,285,442, plus strand): 5'-GGAAGATGCCCTGTCCAACGTGGACCTGCTTGAAGAGCTTCCCCTCCCCGACCAGCAGCC[A>G]TGCATCGAGCCTCCACCTTCCTCCATCATGTACCAGGTAATGGAAATGGTAGATAGCACC-3'
Protein context (NP_001032410.1, residues 17-37): LEELPLPDQQ[Pro27=]CIEPPPSSIM

ClinVar aggregate classification (germline): Benign/Likely benign. Review status: criteria provided, multiple submitters, no conflicts (2 of 4 stars). 4 submissions from 4 submitters: Benign (1); Likely benign (3). Last evaluated 2026-06-01.

Conditions:
CYFIP2-related disorder. Also called: CYFIP2-related condition.

Allele frequency attached by ClinVar (database versions not stated): gnomAD exomes 0.00008 and 0.00021; 1000 Genomes Project 0.00040; 1000 Genomes Project 30x 0.00047; ESP Exome Variant Server 0.00047; ExAC 0.00048; gnomAD 0.00061 and 0.00068; TOPMed 0.00073.
gnomAD v4.1: 208 of 1,579,112 alleles (0.013%); highest among the groups gnomAD compares: African/African-American, 0.22%; no homozygotes.

Submissions (4):

CeGaT Center for Human Genetics Tuebingen
Classification: Likely benign. Last evaluated: 2026-06-01. Review status: criteria provided, single submitter. Criteria: CeGaT Center For Human Genetics Tuebingen Variant Classification Criteria Version 2. Collection method: clinical testing. Allele origin: germline. Affected: yes. Observed: 1 variant allele.
Comment: CYFIP2: BP4, BS1

Labcorp Genetics (formerly Invitae), Labcorp
Classification: Benign. Last evaluated: 2026-01-19. Review status: criteria provided, single submitter. Criteria: Invitae Variant Classification Sherloc (09022015). Collection method: clinical testing. Allele origin: germline.

PreventionGenetics, part of Exact Sciences
Classification: Likely benign for CYFIP2-related condition. Last evaluated: 2024-10-18. Review status: criteria provided, single submitter. Criteria: ACMG Guidelines, 2015. Collection method: clinical testing. Allele origin: germline.
Comment: This variant is classified as likely benign based on ACMG/AMP sequence variant interpretation guidelines (Richards et al. 2015 PMID: 25741868, with internal and published modifications).

Blueprint Genetics
Classification: Likely benign. Last evaluated: 2024-04-08. Review status: criteria provided, single submitter. Criteria: ACMG Guidelines, 2015. Collection method: clinical testing. Allele origin: germline.